The following is an entry in ClinVar:

ClinVar aggregate classification (germline): Conflicting classifications of pathogenicity. Review status: criteria provided, conflicting classifications (1 of 4 stars). 4 submissions from 4 submitters: Uncertain significance (1); Likely benign (1). 2 of the submissions do not count toward it. Last evaluated 2023-05-22.

Conditions:
Catecholaminergic polymorphic ventricular tachycardia 1. Also called: VENTRICULAR TACHYCARDIA, STRESS-INDUCED POLYMORPHIC 1; VENTRICULAR TACHYCARDIA, CATECHOLAMINERGIC POLYMORPHIC, 1, WITH OR WITHOUT ATRIAL DYSFUNCTION AND/OR DILATED CARDIOMYOPATHY; RYR2-Related Catecholaminergic Polymorphic Ventricular Tachycardia. Identifiers: Orphanet 3286, MedGen C1631597, MONDO:0011484, OMIM 604772.

Allele frequency attached by ClinVar (database versions not stated): gnomAD exomes below 0.00001; ExAC 0.00002; gnomAD 0.00002.
gnomAD v4.1: 5 of 1,604,656 alleles (0.00031%); highest among the groups gnomAD compares: African/African-American, 0.0013%; no homozygotes.

Submissions (4):

Women's Health and Genetics/Laboratory Corporation of America, LabCorp
Classification: Uncertain significance. Last evaluated: 2023-05-22. Review status: criteria provided, single submitter. Criteria: LabCorp Variant Classification Summary - May 2015. Collection method: clinical testing. Allele origin: germline.
Comment: Variant summary: RYR2 c.9259C>T (p.Pro3087Ser) results in a non-conservative amino acid change in the encoded protein sequence. Three of five in-silico tools predict a benign effect of the variant on protein function. The variant allele was found at a frequency of 4.3e-06 in 234946 control chromosomes (gnomAD). The available data on variant occurrences in the general population are insufficient to allow any conclusion about variant significance. To our knowledge, no occurrence of c.9259C>T in individuals affected with Catecholaminergic Polymorphic Ventricular Tachycardia and no experimental evidence demonstrating its impact on protein function have been reported. One clinical diagnostic laboratory has submitted clinical-significance assessments for this variant to ClinVar after 2014 without evidence for independent evaluation, and classified the variant as likely benign. Based on the evidence outlined above, the variant was classified as uncertain significance.

Labcorp Genetics (formerly Invitae), Labcorp
Classification: Likely benign for Catecholaminergic polymorphic ventricular tachycardia 1. Last evaluated: 2022-07-29. Review status: criteria provided, single submitter. Criteria: Invitae Variant Classification Sherloc (09022015). Collection method: clinical testing. Allele origin: germline.

Diagnostic Laboratory, Department of Genetics, University Medical Center Groningen
Classification: Uncertain significance. Review status: no assertion criteria provided. Collection method: clinical testing. Allele origin: germline. Affected: yes. Study: VKGL Data-share Consensus. Not counted in ClinVar's aggregate classification.

Genome Diagnostics Laboratory, University Medical Center Utrecht
Classification: Uncertain significance. Review status: no assertion criteria provided. Collection method: clinical testing. Allele origin: germline. Affected: yes. Study: VKGL Data-share Consensus. Not counted in ClinVar's aggregate classification.

NM_001035.3(RYR2):c.9259C>T (p.Pro3087Ser)

Gene: RYR2 (ryanodine receptor 2; plus strand). Cytogenetic location: 1q43.
Variant type: single nucleotide variant.
Coding change: c.9259C>T on transcript NM_001035.3 (MANE Select); coding-DNA position 9259, C replaced by T.
Protein change: p.Pro3087Ser; replaces proline 3087 with serine.
Molecular consequence: missense variant.
Genome position (GRCh38, 1-based): chr1:237,700,359, C>T. VCF-style: chr1-237700359-C-T. GRCh37 (hg19) VCF-style: chr1-237863659-C-T.
Other names: c.9259C>T (NM_001035.2); short protein forms P3087S.
Identifiers: ClinVar variation 1174676 (VCV001174676.10), dbSNP rs777736127, ClinGen allele CA087851.